The following is an entry in ClinVar:

NM_021907.5(DTNB):c.1287C>T (p.Asn429=)

Gene: DTNB (dystrobrevin beta; minus strand). Cytogenetic location: 2p23.3.
Variant type: single nucleotide variant.
Coding change: c.1287C>T on transcript NM_021907.5 (MANE Select); coding-DNA position 1287, C replaced by T.
Protein change: p.Asn429=; no amino-acid change (asparagine 429 retained).
Molecular consequence: synonymous variant. On other transcripts: non-coding transcript variant (1).
Genome position (GRCh38, 1-based): chr2:25,433,966, G>A on the plus strand (C>T on the coding strand, the complement: DTNB is on the minus strand). VCF-style: chr2-25433966-G-A. GRCh37 (hg19) VCF-style: chr2-25656835-G-A.
Other names: c.675C>T, p.Asn225= (NM_001320935.2, NM_001320932.2); c.1287C>T, p.Asn429= (NM_001320936.2, NM_001351384.2, NM_001351388.2 and 5 more transcripts); c.756C>T, p.Asn252= (NM_001351381.2, NM_001351392.2, NM_001351393.2); c.1197C>T, p.Asn399= (NM_001351382.2, NM_001351383.2, NM_001351385.2 and 9 more transcripts); c.372C>T, p.Asn124= (NM_001351395.2); c.846C>T, p.Asn282= (NM_001394686.1); c.1116C>T, p.Asn372= (NM_001256308.2).
Identifiers: ClinVar variation 2650731 (VCV002650731.24), dbSNP rs201598651, ClinGen allele CA1556900.

ClinVar aggregate classification (germline): Likely benign (1 of 4 stars; one submission).

Allele frequency attached by ClinVar (database versions not stated): TOPMed 0.00066; ESP Exome Variant Server 0.00100; gnomAD 0.00107; 1000 Genomes Project 30x 0.00172; gnomAD exomes 0.00173; 1000 Genomes Project 0.00200; ExAC 0.00221.
gnomAD v4.1: 2,655 of 1,613,456 alleles (0.16%); highest among the groups gnomAD compares: South Asian, 0.79%; 9 homozygotes.

Submission:

CeGaT Center for Human Genetics Tuebingen
Classification: Likely benign. Last evaluated: 2022-11-01. Review status: criteria provided, single submitter. Criteria: CeGaT Center For Human Genetics Tuebingen Variant Classification Criteria Version 2. Collection method: clinical testing. Allele origin: germline. Affected: yes. Observed: 1 variant allele.
Comment: DTNB: BP4, BP7, BS2